The following is an entry in ClinVar:

NM_000089.4(COL1A2):c.2944G>A (p.Gly982Ser)

Gene: COL1A2 (collagen type I alpha 2 chain; plus strand). Cytogenetic location: 7q21.3.
Variant type: single nucleotide variant.
Coding change: c.2944G>A on transcript NM_000089.4 (MANE Select); coding-DNA position 2944, G replaced by A.
Protein change: p.Gly982Ser; replaces glycine 982 with serine.
Molecular consequence: missense variant.
Genome position (GRCh38, 1-based): chr7:94,425,998, G>A. VCF-style: chr7-94425998-G-A. GRCh37 (hg19) VCF-style: chr7-94055310-G-A.
Other names: short protein forms G982S.
Identifiers: ClinVar variation 958001 (VCV000958001.13), dbSNP rs1792269292, ClinGen allele CA368224949.

ClinVar aggregate classification (germline): Pathogenic/Likely pathogenic. Review status: criteria provided, multiple submitters, no conflicts (2 of 4 stars). 3 submissions from 3 submitters: Pathogenic (2); Likely pathogenic (1). Last evaluated 2025-07-16.

Conditions:
Osteogenesis imperfecta with normal sclerae, dominant form (OI4). Also called: OSTEOGENESIS IMPERFECTA WITH NORMAL SCLERAE; OSTEOGENESIS IMPERFECTA, TYPE IV, WITH DENTINOGENESIS IMPERFECTA; Osteogenesis imperfecta type 4; Osteogenesis Imperfecta Type IV; Common Variable Osteogenesis Imperfecta with Normal Sclerae. Identifiers: Orphanet 216820, Orphanet 666, MedGen C0268363, MONDO:0008148, OMIM 166220.
Osteogenesis imperfecta type I (OI1). Also called: Lobstein's Disease; OI, TYPE I; OSTEOGENESIS IMPERFECTA TARDA; OSTEOGENESIS IMPERFECTA WITH BLUE SCLERAE; Osteogenesis imperfecta type 1; Lobstein disease. Identifiers: Orphanet 216796, Orphanet 666, MedGen C0023931, MONDO:0008146, OMIM 166200. Disease mechanism: loss of function.
Ehlers-Danlos syndrome, classic type, 1 (EDSCL1). Also called: Ehlers-Danlos syndrome, type 1; EHLERS-DANLOS SYNDROME, GRAVIS TYPE; EHLERS-DANLOS SYNDROME, SEVERE CLASSIC TYPE; EDS I; Ehlers-Danlos Syndrome, Classic Type, COL5A1-Related. Identifiers: MedGen C0268335, MONDO:0019567, OMIM 130000.

Submissions (3):

Clinical Biomedical Laboratory, Shriners Hospital For Children - Canada
Classification: Pathogenic for Osteogenesis imperfecta with normal sclerae, dominant form. Last evaluated: 2025-07-16. Review status: criteria provided, single submitter. Criteria: ACMG Guidelines, 2015. Collection method: clinical testing. Allele origin: germline. Affected: yes.
Comment: This variant is predicted to substitute a glycine residue by a serine residue in the triple helical domain of the collagen type I alpha 2 chain. Glycine substitutions in the triple helical domain of collagen cause disruption in the formation of the triple helix in the collagen type I molecule and are a typical cause of osteogenesis imperfecta. This variant also affects a nucleotide at an exon/intron junction and such variants are reported to alter splicing. In the Genome Aggregation Database (gnomAD v2.1.1) this variant is not present. Prediction tools (REVEL: 0.92) suggest that the change is damaging to protein function. We have observed this variant in the Shriners Hospital for Children variant database in two individuals diagnosed with severe osteohgenesis imperfecta.

GeneDx
Classification: Likely pathogenic. Last evaluated: 2025-04-09. Review status: criteria provided, single submitter. Criteria: GeneDx Variant Classification Process June 2021. Collection method: clinical testing. Allele origin: germline. Affected: yes.
Comment: Has been reported in patients with osteogenesis imperfecta (PMID: 27509835, 31737030, 20087402); Not observed at significant frequency in large population cohorts (gnomAD); In silico analysis supports that this missense variant has a deleterious effect on protein structure/function; Occurs in the triple helical domain and replaces a glycine in a canonical Gly-X-Y repeat; missense substitution of a canonical glycine residue is expected to disrupt normal protein folding and function, and this is an established mechanism of disease (PMID: 34007986); This variant is associated with the following publications: (PMID: 27509835, 31737030, 34007986, 20087402)

Labcorp Genetics (formerly Invitae), Labcorp
Classification: Pathogenic for Osteogenesis imperfecta type I; Ehlers-Danlos syndrome, classic type, 1. Last evaluated: 2019-09-11. Review status: criteria provided, single submitter. Criteria: Invitae Variant Classification Sherloc (09022015). Collection method: clinical testing. Allele origin: germline.
Comment: Glycine residues within the Gly-Xaa-Yaa repeats of the triple helix domain are required for the structure and stability of fibrillar collagens (PMID: 7695699, 8218237, 19344236). In COL1A2, variants affecting these glycine residues are significantly enriched in individuals with disease (PMID: 9016532, 17078022) compared to the general population (ExAC). For these reasons, this variant has been classified as Pathogenic. This variant disrupts the p.Gly982 amino acid residue in COL1A2. Other variant(s) that disrupt this residue have been observed in individuals with COL1A2-related conditions (PMID: 17078022, 16786509), which suggests that this may be a clinically significant amino acid residue. This variant has been observed in an individual affected with osteogenesis imperfecta (PMID: 27509835). This variant is not present in population databases (ExAC no frequency). This sequence change replaces glycine with serine at codon 982 of the COL1A2 protein (p.Gly982Ser). The glycine residue is highly conserved and there is a small physicochemical difference between glycine and serine.

Literature cited by the submitters: PubMed 7695699 (cited by Labcorp Genetics (formerly Invitae), Labcorp); PubMed 8218237 (cited by Labcorp Genetics (formerly Invitae), Labcorp); PubMed 19344236 (cited by Labcorp Genetics (formerly Invitae), Labcorp); PubMed 9016532 (cited by Labcorp Genetics (formerly Invitae), Labcorp); PubMed 17078022 (cited by Labcorp Genetics (formerly Invitae), Labcorp); PubMed 16786509 (cited by Labcorp Genetics (formerly Invitae), Labcorp); PubMed 27509835 (cited by Labcorp Genetics (formerly Invitae), Labcorp).